The following is an entry in ClinVar:

NM_004525.3(LRP2):c.6624C>A (p.Asp2208Glu)

Gene: LRP2 (LDL receptor related protein 2; minus strand). Cytogenetic location: 2q31.1.
Variant type: single nucleotide variant.
Coding change: c.6624C>A on transcript NM_004525.3 (MANE Select); coding-DNA position 6624, C replaced by A.
Protein change: p.Asp2208Glu; replaces aspartic acid 2208 with glutamic acid.
Molecular consequence: missense variant.
Genome position (GRCh38, 1-based): chr2:169,207,096, G>T on the plus strand (C>A on the coding strand, the complement: LRP2 is on the minus strand). VCF-style: chr2-169207096-G-T. GRCh37 (hg19) VCF-style: chr2-170063606-G-T.
Other names: short protein forms D2208E.
Identifiers: ClinVar variation 1916171 (VCV001916171.2), dbSNP rs1688421768, ClinGen allele CA349173227.
Genomic context (GRCh38, chr2:169,207,096, plus strand): 5'-AAGCACTGTTCGATTGGTACAGTCAAGGAAAGAACGCTCAATCTTTGGTCTCTGCCCATA[G>T]TCAGCCCAGAAGAGGTATCTGTTCTTGGGATCTACAACAATATGCCTAGGCATGTCCACT-3'
Protein context (NP_004516.2, residues 2198-2218): DPKNRYLFWA[Asp2208Glu]YGQRPKIERS

ClinVar aggregate classification (germline): Uncertain significance (1 of 4 stars; one submission).

Submission:

Labcorp Genetics (formerly Invitae), Labcorp
Classification: Uncertain significance. Last evaluated: 2022-04-06. Review status: criteria provided, single submitter. Criteria: Invitae Variant Classification Sherloc (09022015). Collection method: clinical testing. Allele origin: germline.
Comment: This sequence change replaces aspartic acid, which is acidic and polar, with glutamic acid, which is acidic and polar, at codon 2208 of the LRP2 protein (p.Asp2208Glu). This variant is not present in population databases (gnomAD no frequency). This variant has not been reported in the literature in individuals affected with LRP2-related conditions. Advanced modeling of protein sequence and biophysical properties (such as structural, functional, and spatial information, amino acid conservation, physicochemical variation, residue mobility, and thermodynamic stability) performed at Invitae indicates that this missense variant is expected to disrupt LRP2 protein function. In summary, the available evidence is currently insufficient to determine the role of this variant in disease. Therefore, it has been classified as a Variant of Uncertain Significance.